The following is an entry in ClinVar:

ClinVar aggregate classification (germline): Uncertain significance (1 of 4 stars; one submission).

Conditions:
Hereditary nonpolyposis colorectal neoplasms. Identifiers: MedGen C0009405, MeSH D003123.

Submission:

Labcorp Genetics (formerly Invitae), Labcorp
Classification: Uncertain significance for Hereditary nonpolyposis colorectal neoplasms. Last evaluated: 2020-08-11. Review status: criteria provided, single submitter. Criteria: Invitae Variant Classification Sherloc (09022015). Collection method: clinical testing. Allele origin: germline.
Comment: Algorithms developed to predict the effect of missense changes on protein structure and function are either unavailable or do not agree on the potential impact of this missense change (SIFT: "Tolerated"; PolyPhen-2: "Probably Damaging"; Align-GVGD: "Class C0"). This variant is not present in population databases (ExAC no frequency). This variant has not been reported in the literature in individuals with MSH6-related conditions. In summary, the available evidence is currently insufficient to determine the role of this variant in disease. Therefore, it has been classified as a Variant of Uncertain Significance. This sequence change replaces leucine with phenylalanine at codon 990 of the MSH6 protein (p.Leu990Phe). The leucine residue is moderately conserved and there is a small physicochemical difference between leucine and phenylalanine.

NM_000179.3(MSH6):c.2970G>C (p.Leu990Phe)

Gene: MSH6 (mutS homolog 6; plus strand). Cytogenetic location: 2p16.3.
Variant type: single nucleotide variant.
Coding change: c.2970G>C on transcript NM_000179.3 (MANE Select); coding-DNA position 2970, G replaced by C.
Protein change: p.Leu990Phe; replaces leucine 990 with phenylalanine.
Molecular consequence: missense variant.
Genome position (GRCh38, 1-based): chr2:47,800,953, G>C. VCF-style: chr2-47800953-G-C. GRCh37 (hg19) VCF-style: chr2-48028092-G-C.
Other names: c.2580G>C, p.Leu860Phe (NM_001281492.2); c.2064G>C, p.Leu688Phe (NM_001281493.2, NM_001281494.2); short protein forms L688F, L860F, L990F.
Identifiers: ClinVar variation 1053773 (VCV001053773.9), dbSNP rs1553414353, ClinGen allele CA346756319.